The following is an entry in ClinVar:

ClinVar aggregate classification (germline): Likely benign. Review status: criteria provided, single submitter (1 of 4 stars). 2 submissions from 2 submitters: Likely benign (1). 1 of the submissions does not count toward it. Last evaluated 2025-07-30.

Conditions:
KANK4-related disorder. Also called: KANK4-related condition.

Allele frequency attached by ClinVar (database versions not stated): TOPMed 0.00007; gnomAD 0.00010; ExAC 0.00022; 1000 Genomes Project 0.00060; 1000 Genomes Project 30x 0.00062.
gnomAD v4.1: 210 of 1,613,632 alleles (0.013%); highest among the groups gnomAD compares: South Asian, 0.2%; no homozygotes.

Submissions (2):

Labcorp Genetics (formerly Invitae), Labcorp
Classification: Likely benign. Last evaluated: 2025-07-30. Review status: criteria provided, single submitter. Criteria: Invitae Variant Classification Sherloc (09022015). Collection method: clinical testing. Allele origin: germline.

PreventionGenetics, part of Exact Sciences
Classification: Likely benign for KANK4-related condition. Last evaluated: 2024-01-12. Review status: no assertion criteria provided. Collection method: clinical testing. Allele origin: germline. Not counted in ClinVar's aggregate classification.
Comment: This variant is classified as likely benign based on ACMG/AMP sequence variant interpretation guidelines (Richards et al. 2015 PMID: 25741868, with internal and published modifications).

NM_181712.5(KANK4):c.1591C>T (p.Pro531Ser)

Gene: KANK4 (KN motif and ankyrin repeat domains 4; minus strand). Cytogenetic location: 1p31.3.
Variant type: single nucleotide variant.
Coding change: c.1591C>T on transcript NM_181712.5 (MANE Select); coding-DNA position 1591, C replaced by T.
Protein change: p.Pro531Ser; replaces proline 531 with serine.
Molecular consequence: missense variant. On other transcripts: intron variant (1).
Genome position (GRCh38, 1-based): chr1:62,273,513, G>A on the plus strand (C>T on the coding strand, the complement: KANK4 is on the minus strand). VCF-style: chr1-62273513-G-A. GRCh37 (hg19) VCF-style: chr1-62739185-G-A.
Other names: c.17-1924C>T (NM_001320269.2); short protein forms P531S.
Identifiers: ClinVar variation 3049061 (VCV003049061.3), dbSNP rs565873558, ClinGen allele CA884349.